The following is an entry in ClinVar:

NM_000179.3(MSH6):c.585T>G (p.Val195=)

Gene: MSH6 (mutS homolog 6; plus strand). Cytogenetic location: 2p16.3.
Variant type: single nucleotide variant.
Coding change: c.585T>G on transcript NM_000179.3 (MANE Select); coding-DNA position 585, T replaced by G.
Protein change: p.Val195=; no amino-acid change (valine 195 retained).
Molecular consequence: synonymous variant. On other transcripts: 5 prime UTR variant (2), non-coding transcript variant (5), intron variant (8).
Genome position (GRCh38, 1-based): chr2:47,796,021, T>G. VCF-style: chr2-47796021-T-G. GRCh37 (hg19) VCF-style: chr2-48023160-T-G.
Other names: c.-318T>G (NM_001281494.2); c.681T>G, p.Val227= (NM_001406795.1, NM_001406802.1); c.585T>G, p.Val195= (NM_001406796.1, NM_001406798.1, NM_001406800.1 and 5 more transcripts); c.288T>G, p.Val96= (NM_001406797.1, NM_001406801.1, NM_001406805.1 and 10 more transcripts); c.60T>G, p.Val20= (NM_001406799.1, NM_001406806.1, NM_001406807.1); c.507T>G, p.Val169= (NM_001406804.1); c.591T>G, p.Val197= (NM_001406813.1); c.-410T>G (NM_001406814.1); and 3 more.
Identifiers: ClinVar variation 1750139 (VCV001750139.3), dbSNP rs2104238150, ClinGen allele CA425993102.

ClinVar aggregate classification (germline): Conflicting classifications of pathogenicity. Review status: criteria provided, conflicting classifications (1 of 4 stars). 2 submissions from 2 submitters: Uncertain significance (1); Likely benign (1). Last evaluated 2023-07-10.

Conditions:
Hereditary cancer-predisposing syndrome. Also called: Hereditary Cancer Syndrome; Hereditary neoplastic syndrome; Neoplastic Syndromes, Hereditary; Tumor predisposition. Identifiers: Orphanet 140162, MedGen C0027672, MeSH D009386, MONDO:0015356.
Lynch syndrome. Identifiers: Orphanet 144, MedGen C4552100, MONDO:0005835. Disease mechanism: loss of function.

Submissions (2):

All of Us Research Program, National Institutes of Health
Classification: Uncertain significance for Lynch syndrome. Last evaluated: 2023-07-10. Review status: criteria provided, single submitter. Criteria: ACMG Guidelines, 2015. Collection method: clinical testing. Allele origin: germline. Inheritance: Autosomal dominant inheritance. Observed: 1 variant allele, 1 heterozygote.
Comment: This variant is located in the MSH6 protein. To our knowledge, functional studies have not been reported for this variant. This variant has not been reported in individuals affected with MSH6-related disorders in the literature. This variant has not been identified in the general population by the Genome Aggregation Database (gnomAD). The available evidence is insufficient to determine the role of this variant in disease conclusively. Therefore, this variant is classified as a Variant of Uncertain Significance.

This study involves interpretation of variants in research participants for the purpose of population health screening. Participant phenotype was not available at the time of variant classification. Additional details can be found in publication PMID: 35346344, PMCID: PMC8962531

Ambry Genetics
Classification: Likely benign for Hereditary cancer-predisposing syndrome. Last evaluated: 2021-02-10. Review status: criteria provided, single submitter. Criteria: Ambry Variant Classification Scheme 2023. Collection method: clinical testing. Allele origin: germline.